The following is an entry in ClinVar:

ClinVar aggregate classification (germline): Uncertain significance (1 of 4 stars; one submission).

Allele frequency attached by ClinVar (database versions not stated): TOPMed below 0.00001; gnomAD exomes 0.00001; gnomAD 0.00002.
gnomAD v4.1: 15 of 1,613,650 alleles (0.00093%); highest among the groups gnomAD compares: African/African-American, 0.0013%; no homozygotes.

Submission:

Labcorp Genetics (formerly Invitae), Labcorp
Classification: Uncertain significance. Last evaluated: 2024-08-06. Review status: criteria provided, single submitter. Criteria: Invitae Variant Classification Sherloc (09022015). Collection method: clinical testing. Allele origin: germline.
Comment: This sequence change replaces arginine, which is basic and polar, with glutamine, which is neutral and polar, at codon 64 of the CSF2RB protein (p.Arg64Gln). This variant is present in population databases (no rsID available, gnomAD 0.003%). This variant has not been reported in the literature in individuals affected with CSF2RB-related conditions. Advanced modeling of protein sequence and biophysical properties (such as structural, functional, and spatial information, amino acid conservation, physicochemical variation, residue mobility, and thermodynamic stability) performed at Invitae indicates that this missense variant is not expected to disrupt CSF2RB protein function with a negative predictive value of 80%. Algorithms developed to predict the effect of sequence changes on RNA splicing suggest that this variant may disrupt the consensus splice site. In summary, the available evidence is currently insufficient to determine the role of this variant in disease. Therefore, it has been classified as a Variant of Uncertain Significance.

NM_000395.3(CSF2RB):c.191G>A (p.Arg64Gln)

Gene: CSF2RB (colony stimulating factor 2 receptor subunit beta; plus strand). Cytogenetic location: 22q12.3.
Variant type: single nucleotide variant.
Coding change: c.191G>A on transcript NM_000395.3 (MANE Select); coding-DNA position 191, G replaced by A.
Protein change: p.Arg64Gln; replaces arginine 64 with glutamine.
Molecular consequence: missense variant.
Genome position (GRCh38, 1-based): chr22:36,923,358, G>A. VCF-style: chr22-36923358-G-A. GRCh37 (hg19) VCF-style: chr22-37319400-G-A.
Other names: c.191G>A, p.Arg64Gln (NM_001410827.1); short protein forms R64Q.
Identifiers: ClinVar variation 2898567 (VCV002898567.3), dbSNP rs1473071183, ClinGen allele CA411401814.